The following is an entry in ClinVar:

ClinVar aggregate classification (germline): Uncertain significance. Review status: criteria provided, multiple submitters, no conflicts (2 of 4 stars). 2 submissions from 2 submitters: Uncertain significance (2). Last evaluated 2025-09-26.

Conditions:
Inborn genetic diseases. Identifiers: MedGen C0950123, MeSH D030342.

gnomAD v4.1: 6 of 1,484,038 alleles (0.0004%); highest among the groups gnomAD compares: African/African-American, 0.0088%; no homozygotes.

Submissions (2):

Ambry Genetics
Classification: Uncertain significance for Inborn genetic diseases. Last evaluated: 2025-09-26. Review status: criteria provided, single submitter. Criteria: Ambry Variant Classification Scheme 2023. Collection method: clinical testing. Allele origin: germline.

Labcorp Genetics (formerly Invitae), Labcorp
Classification: Uncertain significance. Last evaluated: 2022-10-17. Review status: criteria provided, single submitter. Criteria: Invitae Variant Classification Sherloc (09022015). Collection method: clinical testing. Allele origin: germline.
Comment: This sequence change replaces glutamic acid, which is acidic and polar, with glutamine, which is neutral and polar, at codon 413 of the TYMP protein (p.Glu413Gln). This variant is not present in population databases (gnomAD no frequency). This variant has not been reported in the literature in individuals affected with TYMP-related conditions. ClinVar contains an entry for this variant (Variation ID: 1422296). Advanced modeling of protein sequence and biophysical properties (such as structural, functional, and spatial information, amino acid conservation, physicochemical variation, residue mobility, and thermodynamic stability) performed at Invitae indicates that this missense variant is not expected to disrupt TYMP protein function. In summary, the available evidence is currently insufficient to determine the role of this variant in disease. Therefore, it has been classified as a Variant of Uncertain Significance.

NM_001953.5(TYMP):c.1237G>C (p.Glu413Gln)

Genes: SCO2 (synthesis of cytochrome C oxidase 2; minus strand), TYMP (thymidine phosphorylase; minus strand), LOC130067862 (ATAC-STARR-seq lymphoblastoid silent region 13986; plus strand). Cytogenetic location: 22q13.33.
Variant type: single nucleotide variant.
Coding change: c.1237G>C on transcript NM_001953.5 (MANE Select); coding-DNA position 1237, G replaced by C.
Protein change: p.Glu413Gln; replaces glutamic acid 413 with glutamine.
Molecular consequence: missense variant. On other transcripts: 5 prime UTR variant (1), intron variant (1).
Genome position (GRCh38, 1-based): chr22:50,526,064, C>G on the plus strand (G>C on the coding strand, the complement: TYMP is on the minus strand). VCF-style: chr22-50526064-C-G. GRCh37 (hg19) VCF-style: chr22-50964493-C-G.
Other names: c.1237G>C, p.Glu413Gln (NM_001113755.3, NM_001113756.3, NM_001257988.1); c.1252G>C, p.Glu418Gln (NM_001257989.1); c.-77G>C (NM_001169110.1); c.-14+182G>C (NM_001169109.2); short protein forms E413Q, E418Q.
Identifiers: ClinVar variation 1422296 (VCV001422296.4), dbSNP rs1037027865, ClinGen allele CA325560348.